The following is an entry in ClinVar:

NM_000059.4(BRCA2):c.8917C>G (p.Arg2973Gly)

Gene: BRCA2 (BRCA2 DNA repair associated; plus strand). Cytogenetic location: 13q13.1.
Variant type: single nucleotide variant.
Coding change: c.8917C>G on transcript NM_000059.4 (MANE Select); coding-DNA position 8917, C replaced by G.
Protein change: p.Arg2973Gly; replaces arginine 2973 with glycine.
Molecular consequence: missense variant.
Genome position (GRCh38, 1-based): chr13:32,379,479, C>G. VCF-style: chr13-32379479-C-G. GRCh37 (hg19) VCF-style: chr13-32953616-C-G.
Other names: short protein forms R2973G.
Identifiers: ClinVar variation 52702 (VCV000052702.9), dbSNP rs45469092, ClinGen allele CA025871.

ClinVar aggregate classification (germline): Uncertain significance. Review status: criteria provided, multiple submitters, no conflicts (2 of 4 stars). 4 submissions from 4 submitters: Uncertain significance (3). 1 of the submissions does not count toward it. Last evaluated 2025-06-16.

Conditions:
Hereditary cancer-predisposing syndrome. Also called: Neoplastic Syndromes, Hereditary; Tumor predisposition; Hereditary neoplastic syndrome; Hereditary Cancer Syndrome. Identifiers: Orphanet 140162, MedGen C0027672, MeSH D009386, MONDO:0015356.
Hereditary breast ovarian cancer syndrome. Also called: Hereditary breast and ovarian cancer syndrome; Hereditary breast and ovarian cancer; Hereditary breast and ovarian cancer syndrome (HBOC); Breast and ovarian cancer; Hereditary breast and/or ovarian cancer syndrome; BRCA1- and BRCA2-Associated Hereditary Breast and Ovarian Cancer. Identifiers: Orphanet 145, MedGen C0677776, MeSH D061325, MONDO:0003582. Disease mechanism: loss of function.
Breast-ovarian cancer, familial, susceptibility to, 2 (BROVCA2). Also called: BRCA2 Hereditary Breast and Ovarian Cancer. Identifiers: Orphanet 145, MedGen C2675520, MONDO:0012933, OMIM 612555. Disease mechanism: loss of function.

gnomAD v4.1: 1 of 1,613,054 alleles (0.000062%); highest among the groups gnomAD compares: East Asian, 0.0022%; no homozygotes.

Submissions (4):

Labcorp Genetics (formerly Invitae), Labcorp
Classification: Uncertain significance for Hereditary breast ovarian cancer syndrome. Last evaluated: 2025-06-16. Review status: criteria provided, single submitter. Criteria: Invitae Variant Classification Sherloc (09022015). Collection method: clinical testing. Allele origin: germline.
Comment: This sequence change replaces arginine, which is basic and polar, with glycine, which is neutral and non-polar, at codon 2973 of the BRCA2 protein (p.Arg2973Gly). This variant is present in population databases (rs45469092, gnomAD 0.006%). This missense change has been observed in individual(s) with pancreatic cancer (PMID: 35171259). ClinVar contains an entry for this variant (Variation ID: 52702). Invitae Evidence Modeling of protein sequence and biophysical properties (such as structural, functional, and spatial information, amino acid conservation, physicochemical variation, residue mobility, and thermodynamic stability) indicates that this missense variant is not expected to disrupt BRCA2 protein function with a negative predictive value of 95%. In summary, the available evidence is currently insufficient to determine the role of this variant in disease. Therefore, it has been classified as a Variant of Uncertain Significance.

Ambry Genetics
Classification: Uncertain significance for Hereditary cancer-predisposing syndrome. Last evaluated: 2025-01-31. Review status: criteria provided, single submitter. Criteria: Ambry Variant Classification Scheme 2023. Collection method: clinical testing. Allele origin: germline.
Comment: The p.R2973G variant (also known as c.8917C>G), located in coding exon 21 of the BRCA2 gene, results from a C to G substitution at nucleotide position 8917. The arginine at codon 2973 is replaced by glycine, an amino acid with dissimilar properties. This amino acid position is well conserved in available vertebrate species. In addition, the in silico prediction for this alteration is inconclusive. Based on the available evidence, the clinical significance of this variant remains unclear.

GeneDx
Classification: Uncertain significance. Last evaluated: 2019-06-14. Review status: criteria provided, single submitter. Criteria: GeneDx Variant Classification Process June 2021. Collection method: clinical testing. Allele origin: germline. Affected: yes.
Comment: Not observed at a significant frequency in large population cohorts (Lek et al., 2016); In silico analysis, which includes protein predictors and evolutionary conservation, supports that this variant does not alter protein structure/function; Has not been previously published as pathogenic or benign to our knowledge

Breast Cancer Information Core (BIC) (BRCA2)
Classification: Uncertain significance for Breast-ovarian cancer, familial 2. Last evaluated: 2010-07-16. Review status: no assertion criteria provided. Collection method: clinical testing. Allele origin: germline. Affected: yes. Observed: 1 variant allele. Not counted in ClinVar's aggregate classification.

Literature cited by the submitters: PubMed 35171259 (cited by Labcorp Genetics (formerly Invitae), Labcorp and Ambry Genetics).